The following is an entry in ClinVar:

ClinVar aggregate classification (germline): Pathogenic/Likely pathogenic. Review status: criteria provided, multiple submitters, no conflicts (2 of 4 stars). 6 submissions from 6 submitters: Pathogenic (4); Likely pathogenic (1). 1 of the submissions does not count toward it. Last evaluated 2024-08-20.

Conditions:
Becker muscular dystrophy (BMD). Also called: MUSCULAR DYSTROPHY, PSEUDOHYPERTROPHIC PROGRESSIVE, BECKER TYPE; Becker Muscular Dystrophy (BMD). Identifiers: Orphanet 98895, MedGen C0917713, MONDO:0010311, OMIM 300376.
Duchenne muscular dystrophy (DMD). Also called: MUSCULAR DYSTROPHY, PSEUDOHYPERTROPHIC PROGRESSIVE, DUCHENNE TYPE; Duchenne Muscular Dystrophy (DMD). Identifiers: Orphanet 98896, MedGen C0013264, MONDO:0010679, OMIM 310200.

Submissions (6):

Kariminejad - Najmabadi Pathology & Genetics Center
Classification: Likely pathogenic for Duchenne muscular dystrophy. Last evaluated: 2024-08-20. Review status: criteria provided, single submitter. Criteria: ACMG Guidelines, 2015. Collection method: clinical testing. Allele origin: germline. Inheritance: X-linked inheritance. Affected: yes.
Comment: (PP5, PM2, PP3, PS3_Moderate)

Revvity Omics, Revvity
Classification: Pathogenic. Last evaluated: 2023-12-19. Review status: criteria provided, single submitter. Criteria: ACMG Guidelines, 2015. Collection method: clinical testing. Allele origin: germline.

Labcorp Genetics (formerly Invitae), Labcorp
Classification: Pathogenic for Duchenne muscular dystrophy. Last evaluated: 2022-06-13. Review status: criteria provided, single submitter. Criteria: Invitae Variant Classification Sherloc (09022015). Collection method: clinical testing. Allele origin: germline.
Comment: For these reasons, this variant has been classified as Pathogenic. Studies have shown that this variant results in inclusion of a 58bp pseudoexon between exons 62 and 63 and introduces a premature termination codon (PMID: 32047267). The resulting mRNA is expected to undergo nonsense-mediated decay. ClinVar contains an entry for this variant (Variation ID: 11286). This variant is also known as IVS62-285A>G. This variant has been observed in individuals with Becker muscular dystrophy (PMID: 3393617, 12754707, 20485447, 32047267, 32669210; Invitae). The frequency data for this variant in the population databases is considered unreliable, as metrics indicate insufficient coverage at this position in the gnomAD database. This sequence change falls in intron 62 of the DMD gene. It does not directly change the encoded amino acid sequence of the DMD protein. RNA analysis indicates that this variant induces altered splicing and may result in an absent or disrupted protein product.

Mendelics
Classification: Pathogenic for Becker muscular dystrophy. Last evaluated: 2022-05-04. Review status: criteria provided, single submitter. Criteria: Mendelics Assertion Criteria 2019. Collection method: clinical testing. Allele origin: germline.

Eurofins Ntd Llc (ga)
Classification: Pathogenic. Last evaluated: 2017-03-27. Review status: criteria provided, single submitter. Criteria: EGL Classification Definitions 2015. Collection method: clinical testing. Allele origin: germline. Observed: 1 variant allele, 1 hemizygote.

OMIM
Classification: Pathogenic for BECKER MUSCULAR DYSTROPHY. Last evaluated: 2003-06-01. Review status: no assertion criteria provided. Collection method: literature only. Allele origin: unknown. Not counted in ClinVar's aggregate classification.

Literature cited by the submitters: PubMed 32047267 (cited by Labcorp Genetics (formerly Invitae), Labcorp); PubMed 3393617 (cited by Labcorp Genetics (formerly Invitae), Labcorp); PubMed 12754707 (cited by 3 submitters); PubMed 20485447 (cited by Labcorp Genetics (formerly Invitae), Labcorp and Eurofins Ntd Llc (ga)); PubMed 32669210 (cited by Labcorp Genetics (formerly Invitae), Labcorp).

NM_004006.3(DMD):c.9225-285A>G

Gene: DMD (dystrophin; minus strand). Cytogenetic location: Xp21.2.
Variant type: single nucleotide variant.
Coding change: c.9225-285A>G on transcript NM_004006.3 (MANE Select); 285 bases into the intron before coding-DNA position 9225, A replaced by G.
Molecular consequence: intron variant.
Genome position (GRCh38, 1-based): chrX:31,261,301, T>C on the plus strand (A>G on the coding strand, the complement: DMD is on the minus strand). VCF-style: chrX-31261301-T-C. GRCh37 (hg19) VCF-style: chrX-31279418-T-C.
Other names: IVS62, A-G, -285; c.9201-285A>G (NM_000109.4); c.5202-285A>G (NM_004011.4); c.5193-285A>G (NM_004012.4); c.1845-285A>G (NM_004023.3, NM_004020.4, NM_004022.3 and 2 more transcripts); c.1038-285A>G (NM_004014.3); c.21-285A>G (NM_004018.3, NM_004017.3, NM_004016.3 and 2 more transcripts); c.9213-285A>G (NM_004009.3); and 1 more.
Identifiers: ClinVar variation 11286 (VCV000011286.19), dbSNP rs587776747, ClinGen allele CA255779.